The following is an entry in ClinVar:

ClinVar aggregate classification (germline): Uncertain significance (1 of 4 stars; one submission).

Submission:

Labcorp Genetics (formerly Invitae), Labcorp
Classification: Uncertain significance. Last evaluated: 2022-03-28. Review status: criteria provided, single submitter. Criteria: Invitae Variant Classification Sherloc (09022015). Collection method: clinical testing. Allele origin: germline.
Comment: Algorithms developed to predict the effect of missense changes on protein structure and function are either unavailable or do not agree on the potential impact of this missense change (SIFT: "Deleterious"; PolyPhen-2: "Possibly Damaging"; Align-GVGD: "Class C0"). This sequence change replaces serine, which is neutral and polar, with phenylalanine, which is neutral and non-polar, at codon 673 of the TCF20 protein (p.Ser673Phe). This variant is not present in population databases (gnomAD no frequency). This variant has not been reported in the literature in individuals affected with TCF20-related conditions. In summary, the available evidence is currently insufficient to determine the role of this variant in disease. Therefore, it has been classified as a Variant of Uncertain Significance.

NM_001378418.1(TCF20):c.2018C>T (p.Ser673Phe)

Gene: TCF20 (transcription factor 20; minus strand). Cytogenetic location: 22q13.2.
Variant type: single nucleotide variant.
Coding change: c.2018C>T on transcript NM_001378418.1 (MANE Select); coding-DNA position 2018, C replaced by T.
Protein change: p.Ser673Phe; replaces serine 673 with phenylalanine.
Molecular consequence: missense variant.
Genome position (GRCh38, 1-based): chr22:42,213,288, G>A on the plus strand (C>T on the coding strand, the complement: TCF20 is on the minus strand). VCF-style: chr22-42213288-G-A. GRCh37 (hg19) VCF-style: chr22-42609294-G-A.
Other names: c.2018C>T, p.Ser673Phe (NM_005650.4, NM_181492.3); short protein forms S673F.
Identifiers: ClinVar variation 2118645 (VCV002118645.4), dbSNP rs2518230698, ClinGen allele CA411789581.